The following is an entry in ClinVar:

NM_004385.5(VCAN):c.1896G>A (p.Thr632=)

Gene: VCAN (versican; plus strand). Cytogenetic location: 5q14.3.
Variant type: single nucleotide variant.
Coding change: c.1896G>A on transcript NM_004385.5 (MANE Select); coding-DNA position 1896, G replaced by A.
Protein change: p.Thr632=; no amino-acid change (threonine 632 retained).
Molecular consequence: synonymous variant. On other transcripts: intron variant (2).
Genome position (GRCh38, 1-based): chr5:83,520,202, G>A. VCF-style: chr5-83520202-G-A. GRCh37 (hg19) VCF-style: chr5-82816021-G-A.
Other names: c.1896G>A, p.Thr632= (NM_001164098.2); c.1042+7806G>A (NM_001164097.2, NM_001126336.3).
Identifiers: ClinVar variation 905696 (VCV000905696.13), dbSNP rs377633742, ClinGen allele CA3332748.

ClinVar aggregate classification (germline): Benign/Likely benign. Review status: criteria provided, multiple submitters, no conflicts (2 of 4 stars). 4 submissions from 3 submitters: Benign (2); Likely benign (2). Last evaluated 2025-11-10.

Conditions:
Wagner disease. Also called: WAGNER VITREORETINAL DEGENERATION; Wagner Vitreoretinal Degeneration (Wagner Synrdome); Wagner syndrome; HYALOIDEORETINAL DEGENERATION OF WAGNER; WAGNER VITREORETINOPATHY; WAGNER SYNDROME 1. Identifiers: Orphanet 898, MedGen C1840452, MONDO:0007740, OMIM 143200.
Vitreoretinopathy. Also called: Vitreoretinal degeneration. Identifiers: MedGen C0344290, MONDO:0020248, HP:0007773.

Allele frequency attached by ClinVar (database versions not stated): ExAC 0.00006; gnomAD exomes 0.00006; gnomAD 0.00011 and 0.00012; ESP Exome Variant Server 0.00015; 1000 Genomes Project 0.00020; TOPMed 0.00021; 1000 Genomes Project 30x 0.00031.
gnomAD v4.1: 65 of 1,613,956 alleles (0.004%); highest among the groups gnomAD compares: Admixed American, 0.027%; no homozygotes.

Submissions (4):

Labcorp Genetics (formerly Invitae), Labcorp
Classification: Likely benign. Last evaluated: 2025-11-10. Review status: criteria provided, single submitter. Criteria: Invitae Variant Classification Sherloc (09022015). Collection method: clinical testing. Allele origin: germline.

Blueprint Genetics
Classification: Likely benign. Last evaluated: 2024-08-20. Review status: criteria provided, single submitter. Criteria: ACMG Guidelines, 2015. Collection method: clinical testing. Allele origin: germline.

Illumina Laboratory Services, Illumina
Classification: Benign for Wagner disease. Last evaluated: 2018-01-13. Review status: criteria provided, single submitter. Criteria: ICSL Variant Classification Criteria 13 December 2019. Collection method: clinical testing. Allele origin: germline.
Comment: This variant was observed in the ICSL laboratory as part of a predisposition screen in an ostensibly healthy population. It had not been previously curated by ICSL or reported in the Human Gene Mutation Database (HGMD: prior to June 1st, 2018), and was therefore a candidate for classification through an automated scoring system. Utilizing variant allele frequency, disease prevalence and penetrance estimates, and inheritance mode, an automated score was calculated to assess if this variant is too frequent to cause the disease. Based on the score and internal cut-off values, a variant classified as benign is not then subjected to further curation. The score for this variant resulted in a classification of benign for this disease.

Illumina Laboratory Services, Illumina
Classification: Benign for Vitreoretinopathy. Last evaluated: 2018-01-13. Review status: criteria provided, single submitter. Criteria: ICSL Variant Classification Criteria 13 December 2019. Collection method: clinical testing. Allele origin: germline.
Comment: the same text as in the submission from Illumina Laboratory Services, Illumina above.